The following is an entry in ClinVar:

NM_016222.4(DDX41):c.155dup (p.Arg53fs)

Gene: DDX41 (DEAD-box helicase 41; minus strand). Cytogenetic location: 5q35.3.
Variant type: Duplication.
Coding change: c.155dup on transcript NM_016222.4 (MANE Select); coding-DNA position 155, one base duplicated (A; older notation c.155dupA).
Protein change: p.Arg53fs; shifts the reading frame from arginine 53.
Molecular consequence: frameshift variant. On other transcripts: 5 prime UTR variant (2).
Genome position (GRCh38, 1-based): chr5:177,516,431, T duplicated on the plus strand (A on the coding strand, the reverse complement: DDX41 is on the minus strand). VCF-style (leftmost placement, unchanged base first): chr5-177516430-C-CT. GRCh37 (hg19) VCF-style: chr5-176943431-C-CT.
Other names: c.-224dup (NM_001321732.2, NM_001321830.2); c.155dup (NM_016222.2); c.155dupA (NM_016222.4, NM_016222.2); short protein forms R53fs.
Identifiers: ClinVar variation 978202 (VCV000978202.4), dbSNP rs766117035, ClinGen allele CA132895525.

ClinVar aggregate classification (germline): Pathogenic. Review status: criteria provided, multiple submitters, no conflicts (2 of 4 stars). 3 submissions from 3 submitters: Pathogenic (2). 1 of the submissions does not count toward it. Last evaluated 2025-01-14.

Conditions:
Myelodysplasia. Identifiers: MedGen C0026985, HP:0002863.
DDX41-related hematologic malignancy predisposition syndrome. Also called: Myeloproliferative/lymphoproliferative neoplasms, familial (multiple types), susceptibility to; DDX41-Associated Familial Myelodysplastic Syndrome and Acute Myeloid Leukemia. Identifiers: Orphanet 488647, MedGen C4225174, MONDO:0014809, OMIM 616871.

Allele frequency attached by ClinVar (database versions not stated): gnomAD exomes 0.00001.

Submissions (3):

Molecular Pathology, Peter Maccallum Cancer Centre
Classification: Pathogenic for DDX41-related hematologic malignancy predisposition syndrome. Last evaluated: 2025-01-14. Review status: criteria provided, single submitter. Criteria: ACMG Guidelines, 2015. Collection method: clinical testing. Allele origin: germline.

GeneDx
Classification: Pathogenic. Last evaluated: 2022-10-14. Review status: criteria provided, single submitter. Criteria: GeneDx Variant Classification Process June 2021. Collection method: clinical testing. Allele origin: germline. Affected: yes.
Comment: Frameshift variant predicted to result in protein truncation or nonsense mediated decay in a gene for which loss of function is a known mechanism of disease; Not observed at significant frequency in large population cohorts (gnomAD); This variant is associated with the following publications: (PMID: 32098966, 27133828)

Bone Marrow Failure laboratory, Queen Mary University London
Classification: Pathogenic for Myelodysplasia. Last evaluated: 2020-08-28. Review status: no assertion criteria provided. Collection method: research. Allele origin: germline. Affected: yes. Not counted in ClinVar's aggregate classification.
Comment: The following ACMG/AMP criteria were used: PVS1, PM2, PP3, PP1_supporting.

Literature cited by the submitters: PubMed 27133828 (cited by Bone Marrow Failure laboratory, Queen Mary University London).